The following is an entry in ClinVar:

ClinVar aggregate classification (germline): Conflicting classifications of pathogenicity. Review status: criteria provided, conflicting classifications (1 of 4 stars). 3 submissions from 2 submitters: Likely pathogenic (1); Uncertain significance (2). Last evaluated 2025-04-29.

Conditions:
Singleton-Merten syndrome 1 (SGMRT1). Also called: Widened medullary cavities of bone, aortic calcification, abnormal dentition, and muscular weakness; Syndrome of widened medullary cavities of the metacarpals and phalanges, aortic calcification and abnormal dentition. Identifiers: Orphanet 85191, MedGen C4225427, MONDO:0024535, OMIM 182250.
Aicardi-Goutieres syndrome 7 (AGS7). Identifiers: Orphanet 51, MedGen C3888244, MONDO:0014367, OMIM 615846.
Immunodeficiency 95 (IMD95). Identifiers: MedGen C5676929, MONDO:0030692, OMIM 619773.

Submissions (3):

Labcorp Genetics (formerly Invitae), Labcorp
Classification: Uncertain significance for Aicardi-Goutieres syndrome 7; Singleton-Merten syndrome 1. Last evaluated: 2025-04-29. Review status: criteria provided, single submitter. Criteria: Invitae Variant Classification Sherloc (09022015). Collection method: clinical testing. Allele origin: germline.
Comment: This sequence change creates a premature translational stop signal (p.Ala589Leufs*16) in the IFIH1 gene. It is expected to result in an absent or disrupted protein product. However, the current clinical and genetic evidence is not sufficient to establish whether loss-of-function variants in IFIH1 cause disease. The frequency data for this variant in the population databases is considered unreliable, as metrics indicate poor data quality at this position in the gnomAD database. This premature translational stop signal has been observed in individual(s) with IFIH1-related conditions (PMID: 36703223). ClinVar contains an entry for this variant (Variation ID: 987915). In summary, the available evidence is currently insufficient to determine the role of this variant in disease. Therefore, it has been classified as a Variant of Uncertain Significance.

Dubai Health Genomic Medicine Center, Dubai Health
Classification: Likely pathogenic for Immunodeficiency 95. Last evaluated: 2024-10-04. Review status: criteria provided, single submitter. Criteria: ACMG Guidelines, 2015. Collection method: research. Allele origin: germline. Affected: yes.
Comment: PVS1,PM2

Dubai Health Genomic Medicine Center, Dubai Health
Classification: Uncertain significance for Aicardi-Goutieres syndrome 7. Last evaluated: 2020-10-04. Review status: criteria provided, single submitter. Criteria: ACMG Guidelines, 2015. Collection method: clinical testing. Allele origin: germline. Affected: yes.

Literature cited by the submitters: PubMed 36703223 (cited by Labcorp Genetics (formerly Invitae), Labcorp).

NM_022168.4(IFIH1):c.1764del (p.Ala589fs)

Gene: IFIH1 (interferon induced with helicase C domain 1; minus strand). Cytogenetic location: 2q24.2.
Variant type: Deletion.
Coding change: c.1764del on transcript NM_022168.4 (MANE Select); coding-DNA position 1764, one base deleted (A; older notation c.1764delA).
Protein change: p.Ala589fs; shifts the reading frame from alanine 589.
Molecular consequence: frameshift variant.
Genome position (GRCh38, 1-based): chr2:162,278,206, T deleted on the plus strand (A on the coding strand, the reverse complement: IFIH1 is on the minus strand); the first of 8 consecutive T bases (chr2:162,278,206-162,278,213); deleting any one gives the same sequence. VCF-style (leftmost placement, unchanged base first): chr2-162278205-CT-C. GRCh37 (hg19) VCF-style: chr2-163134715-CT-C.
Other names: short protein forms A589fs.
Identifiers: ClinVar variation 987915 (VCV000987915.9), dbSNP rs553669430, ClinGen allele CA1934417.
Genomic context (GRCh38, chr2:162,278,205, plus strand): 5'-CATCTAAAATCTTGGTATAAACATGGGATAAACTAAGTGTTAGGTCCAAACCTAAATTAC[CT>C]TTTTTTTCCATTTGAATGGCCCATTGTTCATAGGGTTGAGTTCCAAAATCTGACATTGGA-3'